The following is an entry in ClinVar:

NM_058216.3(RAD51C):c.152G>C (p.Gly51Ala)

Gene: RAD51C (RAD51 paralog C; plus strand). Cytogenetic location: 17q22.
Variant type: single nucleotide variant.
Coding change: c.152G>C on transcript NM_058216.3 (MANE Select); coding-DNA position 152, G replaced by C.
Protein change: p.Gly51Ala; replaces glycine 51 with alanine.
Molecular consequence: missense variant. On other transcripts: non-coding transcript variant (2).
Genome position (GRCh38, 1-based): chr17:58,694,937, G>C. VCF-style: chr17-58694937-G-C. GRCh37 (hg19) VCF-style: chr17-56772298-G-C.
Other names: c.152G>C, p.Gly51Ala (NM_002876.4); short protein forms G51A.
Identifiers: ClinVar variation 845781 (VCV000845781.15), dbSNP rs758236529, ClinGen allele CA400339538.

ClinVar aggregate classification (germline): Conflicting classifications of pathogenicity. Review status: criteria provided, conflicting classifications (1 of 4 stars). 4 submissions from 4 submitters: Uncertain significance (3); Benign (1). Last evaluated 2025-10-17.

Conditions:
Hereditary cancer-predisposing syndrome. Also called: Neoplastic Syndromes, Hereditary; Hereditary neoplastic syndrome; Tumor predisposition; Hereditary Cancer Syndrome. Identifiers: Orphanet 140162, MedGen C0027672, MeSH D009386, MONDO:0015356.
Fanconi anemia complementation group O. Also called: RAD51C-Related Fanconi Anemia. Identifiers: Orphanet 84, MedGen C3150653, MONDO:0013248, OMIM 613390.

Submissions (4):

Ambry Genetics
Classification: Benign for Hereditary cancer-predisposing syndrome. Last evaluated: 2025-10-17. Review status: criteria provided, single submitter. Criteria: Ambry Variant Classification Scheme 2023. Collection method: clinical testing. Allele origin: germline.

Color Diagnostics, LLC DBA Color Health
Classification: Uncertain significance for Hereditary cancer-predisposing syndrome. Last evaluated: 2023-03-06. Review status: criteria provided, single submitter. Criteria: ACMG Guidelines, 2015. Collection method: clinical testing. Allele origin: germline.
Comment: This missense variant replaces glycine with alanine at codon 51 of the RAD51C protein. Computational prediction suggests that this variant may not impact protein structure and function (internally defined REVEL score threshold <= 0.5, PMID: 27666373). To our knowledge, functional studies have not been reported for this variant. This variant has not been reported in individuals affected with RAD51C-related disorders in the literature. This variant has not been identified in the general population by the Genome Aggregation Database (gnomAD). The available evidence is insufficient to determine the role of this variant in disease conclusively. Therefore, this variant is classified as a Variant of Uncertain Significance.

Sema4
Classification: Uncertain significance for Hereditary cancer-predisposing syndrome. Last evaluated: 2021-10-13. Review status: criteria provided, single submitter. Criteria: Sema4 Curation Guidelines. Collection method: curation. Allele origin: germline.
Comment: The RAD51C c.152G>C (p.G51A) variant has not been reported in the literature to our knowledge. This variant was not observed in the large and broad cohorts of the Genome Aggregation Database (PMID: 32461654). This variant has been reported in ClinVar (Variation ID 845781). Functional studies have not been performed, and in silico predictions of the variant's effect on protein function are inconclusive. Based on the current evidence available, this variant is interpreted as a variant of uncertain significance.

Labcorp Genetics (formerly Invitae), Labcorp
Classification: Uncertain significance for Fanconi anemia complementation group O. Last evaluated: 2019-07-21. Review status: criteria provided, single submitter. Criteria: Invitae Variant Classification Sherloc (09022015). Collection method: clinical testing. Allele origin: germline.
Comment: In summary, the available evidence is currently insufficient to determine the role of this variant in disease. Therefore, it has been classified as a Variant of Uncertain Significance. Algorithms developed to predict the effect of missense changes on protein structure and function (SIFT, PolyPhen-2, Align-GVGD) all suggest that this variant is likely to be tolerated, but these predictions have not been confirmed by published functional studies and their clinical significance is uncertain. This variant has not been reported in the literature in individuals with RAD51C-related conditions. This variant is not present in population databases (ExAC no frequency). This sequence change replaces glycine with alanine at codon 51 of the RAD51C protein (p.Gly51Ala). The glycine residue is highly conserved and there is a small physicochemical difference between glycine and alanine.